The following is an entry in ClinVar:

ClinVar aggregate classification (germline): Likely benign (1 of 4 stars; one submission).

Conditions:
Multiple endocrine neoplasia type 2A. Also called: Multiple Endocrine Neoplasia Type 2A (MEN2A); MULTIPLE ENDOCRINE NEOPLASIA, TYPE IIA; PTC SYNDROME; SIPPLE SYNDROME; MEN 2A; MEN-2A syndrome. Identifiers: Orphanet 247698, Orphanet 653, MedGen C0025268, MeSH D018813, MONDO:0008234, OMIM 171400.

Submission:

Myriad Genetics, Inc.
Classification: Likely benign for Multiple endocrine neoplasia type 2A. Last evaluated: 2025-02-25. Review status: criteria provided, single submitter. Criteria: Myriad Autosomal Dominant, Autosomal Recessive and X-Linked Classification Criteria (2023). Collection method: clinical testing. Allele origin: unknown.
Comment: This variant is considered likely benign. This variant is intronic and is not expected to impact mRNA splicing.

NM_020975.6(RET):c.868-10C>T

Gene: RET (ret proto-oncogene; plus strand). Cytogenetic location: 10q11.21.
Variant type: single nucleotide variant.
Coding change: c.868-10C>T on transcript NM_020975.6 (MANE Select); 10 bases into the intron before coding-DNA position 868, C replaced by T.
Molecular consequence: intron variant.
Genome position (GRCh38, 1-based): chr10:43,106,366, C>T. VCF-style: chr10-43106366-C-T. GRCh37 (hg19) VCF-style: chr10-43601814-C-T.
Other names: c.868-10C>T (NM_020630.7, NM_001406743.1, NM_001406744.1 and 4 more transcripts); c.867+1173C>T (NM_001406772.1, NM_001406769.1); c.626-2665C>T (NM_001406773.1, NM_001406771.1); c.625+3737C>T (NM_001406782.1, NM_001406780.1, NM_001406779.1 and 3 more transcripts); c.739-10C>T (NM_001406764.1, NM_001406762.1, NM_001406761.1 and 1 more transcripts); c.738+1173C>T (NM_001406774.1); c.496+3737C>T (NM_001406786.1, NM_001406783.1); c.580-10C>T (NM_001406770.1, NM_001406766.1, NM_001406767.1); and 5 more.
Identifiers: ClinVar variation 3904673 (VCV003904673.1).
Genomic context (GRCh38, chr10:43,106,366, plus strand): 5'-GGTCTCTGGTTTTGGGGGGTCTGAGGGGCCCATCTCGCCTGCACTGACCAACGCCCTCTG[C>T]ATCCTGCAGGACACCGTGGTGGCCACGCTGCGTGTCTTCGATGCAGACGTGGTACCTGCA-3'